The following is an entry in ClinVar:

ClinVar aggregate classification (germline): Uncertain significance (1 of 4 stars; one submission).

Conditions:
TTN-related disorder. Also called: TTN-related disorders; TTN-related condition; TTN-related disease.

gnomAD v4.1: 3 of 1,613,630 alleles (0.00019%); highest among the groups gnomAD compares: Admixed American, 0.0017%; no homozygotes.

Submission:

PreventionGenetics, part of Exact Sciences
Classification: Uncertain significance for TTN-related condition. Last evaluated: 2026-04-24. Review status: criteria provided, single submitter. Criteria: ACMG Guidelines, 2015. Collection method: clinical testing. Allele origin: germline.
Comment: The TTN c.89981T>C variant is predicted to result in the amino acid substitution p.Leu29994Pro. To our knowledge, this variant has not been reported in the literature. This variant is reported in 0.00089% of alleles in individuals of European (Non-Finnish) descent in gnomAD. At this time, the clinical significance of this variant is uncertain due to the absence of conclusive functional and genetic evidence.

NM_001267550.2(TTN):c.89981T>C (p.Leu29994Pro)

Genes: TTN (titin; minus strand), TTN-AS1 (TTN antisense RNA 1; plus strand). Cytogenetic location: 2q31.2.
Variant type: single nucleotide variant.
Coding change: c.89981T>C on transcript NM_001267550.2 (MANE Select); coding-DNA position 89981, T replaced by C.
Protein change: p.Leu29994Pro; replaces leucine 29994 with proline.
Molecular consequence: missense variant.
Genome position (GRCh38, 1-based): chr2:178,552,919, A>G on the plus strand (T>C on the coding strand, the complement: TTN is on the minus strand). VCF-style: chr2-178552919-A-G. GRCh37 (hg19) VCF-style: chr2-179417646-A-G.
Other names: c.85058T>C, p.Leu28353Pro (NM_001256850.1); c.62786T>C, p.Leu20929Pro (NM_003319.4); c.82277T>C, p.Leu27426Pro (NM_133378.4); c.63161T>C, p.Leu21054Pro (NM_133432.3); c.63362T>C, p.Leu21121Pro (NM_133437.4); short protein forms L20929P, L21121P, L27426P, L28353P, L29994P, L21054P.
Identifiers: ClinVar variation 4988164 (VCV004988164.1).
Genomic context (GRCh38, chr2:178,552,919, plus strand): 5'-CCAATTTCATTTTCTGCAAGAACTCTGAAGAAGAATGGAGTCTTCTCCGACAAATCTATT[A>G]GCTTGAAGGATGTGCTAGAACATTTGTGTGACACGACAGACCATGTTCTCTTGGTGGCAT-3'
Protein context (NP_001254479.2, residues 29984-30004): SHKCSSTSFK[Leu29994Pro]IDLSEKTPFF